The following is an entry in ClinVar:

ClinVar aggregate classification (germline): Benign. Review status: criteria provided, multiple submitters, no conflicts (2 of 4 stars). 2 submissions from 2 submitters: Benign (2). Last evaluated 2018-01-12.

Conditions:
Dihydropteridine reductase deficiency (HPABH4C). Also called: HYPERPHENYLALANINEMIA, TETRAHYDROBIOPTERIN-DEFICIENT, DUE TO DHPR DEFICIENCY; BH4-Deficient Hyperphenylalaninemia C; Hyperphenylalaninemia due to dihydropteridine reductase deficiency; Hyperphenylalaninemia, BH-4-deficient, C; Phenylketonuria type 2; DHPR DEFICIENCY. Identifiers: Orphanet 226, Orphanet 238583, MedGen C0268465, MONDO:0009862, OMIM 261630.

Allele frequency attached by ClinVar (database versions not stated): TOPMed 0.62936; gnomAD 0.64794 and 0.65166; 1000 Genomes Project 30x 0.64834; 1000 Genomes Project 0.65915.
gnomAD v4.1: 122,713 of 187,164 alleles (66%); highest among the groups gnomAD compares: East Asian, 76%; 40,738 homozygotes.

Submissions (2):

Illumina Laboratory Services, Illumina
Classification: Benign for Dihydropteridine reductase deficiency. Last evaluated: 2018-01-12. Review status: criteria provided, single submitter. Criteria: ICSL Variant Classification Criteria 13 December 2019. Collection method: clinical testing. Allele origin: germline.
Comment: This variant was observed in the ICSL laboratory as part of a predisposition screen in an ostensibly healthy population. It had not been previously curated by ICSL or reported in the Human Gene Mutation Database (HGMD: prior to June 1st, 2018), and was therefore a candidate for classification through an automated scoring system. Utilizing variant allele frequency, disease prevalence and penetrance estimates, and inheritance mode, an automated score was calculated to assess if this variant is too frequent to cause the disease. Based on the score and internal cut-off values, a variant classified as benign is not then subjected to further curation. The score for this variant resulted in a classification of benign for this disease.

Breakthrough Genomics
Classification: Benign. Review status: criteria provided, single submitter. Criteria: ACMG Guidelines, 2015. Collection method: not provided. Allele origin: germline. Inheritance: Autosomal recessive inheritance. Affected: yes.

NM_000320.3(QDPR):c.*468A>C

Gene: QDPR (quinoid dihydropteridine reductase; minus strand). Cytogenetic location: 4p15.32.
Variant type: single nucleotide variant.
Coding change: c.*468A>C on transcript NM_000320.3 (MANE Select); 468 bases downstream of the stop codon, A replaced by C.
Molecular consequence: 3 prime UTR variant. On other transcripts: non-coding transcript variant (1).
Genome position (GRCh38, 1-based): chr4:17,486,663, T>G on the plus strand (A>C on the coding strand, the complement: QDPR is on the minus strand). VCF-style: chr4-17486663-T-G. GRCh37 (hg19) VCF-style: chr4-17488286-T-G.
Other names: c.*468A>C (NM_001306140.2).
Identifiers: ClinVar variation 348142 (VCV000348142.6), dbSNP rs699460, ClinGen allele CA10617446.